The following is an entry in ClinVar:

ClinVar aggregate classification (germline): Pathogenic (1 of 4 stars; one submission).

Conditions:
Encephalopathy due to GLUT1 deficiency. Also called: GLUCOSE TRANSPORT DEFECT, BLOOD-BRAIN BARRIER; De Vivo disease; Glucose transporter protein syndrome; GLUT1 deficiency syndrome 1; GLUT1 deficiency syndrome 1, infantile onset, severe; Classic Glucose Transporter Type 1 Deficiency Syndrome. Identifiers: Orphanet 71277, MedGen C4551966, MONDO:0011724, OMIM 606777.

Submission:

Unidad de Genómica Garrahan, Hospital de Pediatría Garrahan
Classification: Pathogenic for Encephalopathy due to GLUT1 deficiency. Last evaluated: 2025-06-24. Review status: criteria provided, single submitter. Criteria: ACMG Guidelines, 2015. Collection method: clinical testing. Allele origin: unknown. Affected: yes. Observed: 1 variant allele.
Comment: PP4_Supporting, PVS1_Very_Strong, PM2_Moderate

NM_006516.4(SLC2A1):c.1096dup (p.Tyr366fs)

Gene: SLC2A1 (solute carrier family 2 member 1; minus strand). Cytogenetic location: 1p34.2.
Variant type: Duplication.
Coding change: c.1096dup on transcript NM_006516.4 (MANE Select); coding-DNA position 1096, one base duplicated (T; older notation c.1096dupT).
Protein change: p.Tyr366fs; shifts the reading frame from tyrosine 366.
Molecular consequence: frameshift variant.
Genome position (GRCh38, 1-based): chr1:42,927,787, A duplicated on the plus strand (T on the coding strand, the reverse complement: SLC2A1 is on the minus strand). VCF-style (leftmost placement, unchanged base first): chr1-42927786-T-TA. GRCh37 (hg19) VCF-style: chr1-43393457-T-TA.
Other names: short protein forms Y366fs.
Identifiers: ClinVar variation 4057315 (VCV004057315.1).